The following is an entry in ClinVar:

ClinVar aggregate classification (germline): Uncertain significance (1 of 4 stars; one submission).

Submission:

GeneDx
Classification: Uncertain significance. Last evaluated: 2026-04-23. Review status: criteria provided, single submitter. Criteria: GeneDx Variant Classification Process June 2021. Collection method: clinical testing. Allele origin: germline.
Comment: Not observed at significant frequency in large population cohorts (gnomAD); In silico analysis supports that this missense variant has a deleterious effect on protein structure/function; Has not been previously published as pathogenic or benign to our knowledge

NM_002700.3(POU4F3):c.593G>T (p.Arg198Leu)

Genes: POU4F3 (POU class 4 homeobox 3; plus strand), RBM27-POU4F3 (RBM27-POU4F3 readthrough; plus strand). Cytogenetic location: 5q32.
Variant type: single nucleotide variant.
Coding change: c.593G>T on transcript NM_002700.3 (MANE Select); coding-DNA position 593, G replaced by T.
Protein change: p.Arg198Leu; replaces arginine 198 with leucine.
Molecular consequence: missense variant. On other transcripts: 3 prime UTR variant (1).
Genome position (GRCh38, 1-based): chr5:146,340,020, G>T. VCF-style: chr5-146340020-G-T. GRCh37 (hg19) VCF-style: chr5-145719583-G-T.
Other names: c.*462G>T (NM_001414499.1); short protein forms R198L.
Identifiers: ClinVar variation 5037686 (VCV005037686.1).